The following is an entry in ClinVar:

ClinVar aggregate classification (germline): Uncertain significance (1 of 4 stars; one submission).

Submission:

Athena Diagnostics
Classification: Uncertain significance. Last evaluated: 2025-04-02. Review status: criteria provided, single submitter. Criteria: Athena Diagnostics Criteria. Collection method: clinical testing. Allele origin: unknown.
Comment: Available data are insufficient to determine the clinical significance of the variant at this time. This variant has not been reported in large, multi-ethnic general populations. Polyphen and MutationTaster predict this amino acid change may be damaging to the protein.

NM_001127222.2(CACNA1A):c.5261G>C (p.Gly1754Ala)

Gene: CACNA1A (calcium voltage-gated channel subunit alpha1 A; minus strand). Cytogenetic location: 19p13.13.
Variant type: single nucleotide variant.
Coding change: c.5261G>C on transcript NM_001127222.2 (MANE Select); coding-DNA position 5261, G replaced by C.
Protein change: p.Gly1754Ala; replaces glycine 1754 with alanine.
Molecular consequence: missense variant.
Genome position (GRCh38, 1-based): chr19:13,231,849, C>G on the plus strand (G>C on the coding strand, the complement: CACNA1A is on the minus strand). VCF-style: chr19-13231849-C-G. GRCh37 (hg19) VCF-style: chr19-13342663-C-G.
Other names: c.5279G>C, p.Gly1760Ala (NM_000068.4, NM_023035.3); c.5264G>C, p.Gly1755Ala (NM_001127221.2); c.5270G>C, p.Gly1757Ala (NM_001174080.2); short protein forms G1754A, G1755A, G1757A, G1760A.
Identifiers: ClinVar variation 4682182 (VCV004682182.1).
Genomic context (GRCh38, chr19:13,231,849, plus strand): 5'-GAGTTCTTATCACACGGTTTCCCGCTGAGGCAGGAAAGCATGATGTTGTGCCAAGCTTCC[C>G]CGGTGGCACTCCTGAGGACAGGGAGAAATCAGAGACTCGGACACCCAGCCCTGACTGGGT-3'
Protein context (NP_001120694.1, residues 1744-1764): ALMLLFRSAT[Gly1754Ala]EAWHNIMLSC